The following is an entry in ClinVar:

NM_001130438.3(SPTAN1):c.2159A>G (p.His720Arg)

Gene: SPTAN1 (spectrin alpha, non-erythrocytic 1; plus strand). Cytogenetic location: 9q34.11.
Variant type: single nucleotide variant.
Coding change: c.2159A>G on transcript NM_001130438.3 (MANE Select); coding-DNA position 2159, A replaced by G.
Protein change: p.His720Arg; replaces histidine 720 with arginine.
Molecular consequence: missense variant.
Genome position (GRCh38, 1-based): chr9:128,583,935, A>G. VCF-style: chr9-128583935-A-G. GRCh37 (hg19) VCF-style: chr9-131346214-A-G.
Other names: c.2159A>G, p.His720Arg (NM_001195532.2, NM_001363759.2, NM_001363765.2 and 1 more transcripts); short protein forms H720R.
Identifiers: ClinVar variation 515999 (VCV000515999.14), dbSNP rs759274173, ClinGen allele CA375056517.

ClinVar aggregate classification (germline): Conflicting classifications of pathogenicity. Review status: criteria provided, conflicting classifications (1 of 4 stars). 4 submissions from 4 submitters: Uncertain significance (2); Likely benign (2). Last evaluated 2026-07-20.

Conditions:
Early-infantile DEE. Also called: Early infantile epileptic encephalopathy; Ohtahara syndrome; Early infantile epileptic encephalopathy with suppression bursts. Identifiers: Orphanet 1934, MedGen C0393706, MONDO:0800491.
Inborn genetic diseases. Identifiers: MedGen C0950123, MeSH D030342.

Allele frequency attached by ClinVar (database versions not stated): gnomAD 0.00001; TOPMed 0.00001.
gnomAD v4.1: 18 of 1,614,092 alleles (0.0011%); highest among the groups gnomAD compares: Non-Finnish European, 0.0014%; no homozygotes.

Submissions (4):

Ambry Genetics
Classification: Uncertain significance for Inborn genetic diseases. Last evaluated: 2026-07-20. Review status: criteria provided, single submitter. Criteria: Ambry Variant Classification Scheme 2023. Collection method: clinical testing. Allele origin: germline.

CeGaT Center for Human Genetics Tuebingen
Classification: Likely benign. Last evaluated: 2026-03-01. Review status: criteria provided, single submitter. Criteria: CeGaT Center For Human Genetics Tuebingen Variant Classification Criteria Version 2. Collection method: clinical testing. Allele origin: germline. Affected: yes. Observed: 1 variant allele.
Comment: SPTAN1: PP3, BS2

Labcorp Genetics (formerly Invitae), Labcorp
Classification: Uncertain significance for Early-infantile DEE. Last evaluated: 2025-05-22. Review status: criteria provided, single submitter. Criteria: Invitae Variant Classification Sherloc (09022015). Collection method: clinical testing. Allele origin: germline.
Comment: This sequence change replaces histidine, which is basic and polar, with arginine, which is basic and polar, at codon 720 of the SPTAN1 protein (p.His720Arg). This variant is present in population databases (no rsID available, gnomAD 0.003%). This variant has not been reported in the literature in individuals affected with SPTAN1-related conditions. ClinVar contains an entry for this variant (Variation ID: 515999). Invitae Evidence Modeling of protein sequence and biophysical properties (such as structural, functional, and spatial information, amino acid conservation, physicochemical variation, residue mobility, and thermodynamic stability) has been performed for this missense variant. However, the output from this modeling did not meet the statistical confidence thresholds required to predict the impact of this variant on SPTAN1 protein function. In summary, the available evidence is currently insufficient to determine the role of this variant in disease. Therefore, it has been classified as a Variant of Uncertain Significance.

GeneDx
Classification: Likely benign. Last evaluated: 2018-03-07. Review status: criteria provided, single submitter. Criteria: GeneDx Variant Classification (06012015). Collection method: clinical testing. Allele origin: germline. Affected: yes.
Comment: This variant is considered likely benign or benign based on one or more of the following criteria: it is a conservative change, it occurs at a poorly conserved position in the protein, it is predicted to be benign by multiple in silico algorithms, and/or has population frequency not consistent with disease.